The following is an entry in ClinVar:

NM_001211.6(BUB1B):c.2423A>G (p.Asn808Ser)

Gene: BUB1B (BUB1 mitotic checkpoint serine/threonine kinase B; plus strand). Cytogenetic location: 15q15.1.
Variant type: single nucleotide variant.
Coding change: c.2423A>G on transcript NM_001211.6 (MANE Select); coding-DNA position 2423, A replaced by G.
Protein change: p.Asn808Ser; replaces asparagine 808 with serine.
Molecular consequence: missense variant.
Genome position (GRCh38, 1-based): chr15:40,212,536, A>G. VCF-style: chr15-40212536-A-G. GRCh37 (hg19) VCF-style: chr15-40504737-A-G.
Other names: short protein forms N808S.
Identifiers: ClinVar variation 3483214 (VCV003483214.1).

ClinVar aggregate classification (germline): Uncertain significance (1 of 4 stars; one submission).

Conditions:
Inborn genetic diseases. Identifiers: MedGen C0950123, MeSH D030342.

Submission:

Ambry Genetics
Classification: Uncertain significance for Inborn genetic diseases. Last evaluated: 2024-10-13. Review status: criteria provided, single submitter. Criteria: Ambry Variant Classification Scheme 2023. Collection method: clinical testing. Allele origin: germline.
Comment: The p.N808S variant (also known as c.2423A>G), located in coding exon 19 of the BUB1B gene, results from an A to G substitution at nucleotide position 2423. The asparagine at codon 808 is replaced by serine, an amino acid with highly similar properties. This amino acid position is conserved. In addition, this alteration is predicted to be tolerated by in silico analysis. Based on the available evidence, the clinical significance of this variant remains unclear.